The following is an entry in ClinVar:

NM_001042492.3(NF1):c.4211C>A (p.Ala1404Glu)

Gene: NF1 (neurofibromin 1; plus strand). Cytogenetic location: 17q11.2.
Variant type: single nucleotide variant.
Coding change: c.4211C>A on transcript NM_001042492.3 (MANE Select); coding-DNA position 4211, C replaced by A.
Protein change: p.Ala1404Glu; replaces alanine 1404 with glutamic acid.
Molecular consequence: missense variant.
Genome position (GRCh38, 1-based): chr17:31,258,381, C>A. VCF-style: chr17-31258381-C-A. GRCh37 (hg19) VCF-style: chr17-29585399-C-A.
Other names: c.4148C>A, p.Ala1383Glu (NM_000267.4); short protein forms A1383E, A1404E.
Identifiers: ClinVar variation 3634550 (VCV003634550.3).
Genomic context (GRCh38, chr17:31,258,381, plus strand): 5'-AATTCTCAACTCCTTGTTTTTAGGTGGTTAGCCAGCGTTTCCCTCAGAACAGCATCGGTG[C>A]AGTAGGAAGTGCCATGTTCCTCAGATTTATCAATCCTGCCATTGTCTCACCGTATGAAGC-3'
Protein context (NP_001035957.1, residues 1394-1414): SQRFPQNSIG[Ala1404Glu]VGSAMFLRFI

ClinVar aggregate classification (germline): Uncertain significance (1 of 4 stars; one submission).

Conditions:
Neurofibromatosis, type 1 (NF1). Also called: VON RECKLINGHAUSEN DISEASE; Peripheral type neurofibromatosis; NEUROFIBROMATOSIS, TYPE I, SOMATIC; Neurofibromatosis, type I. Identifiers: Orphanet 636, MedGen C0027831, MONDO:0018975, OMIM 162200. Disease mechanism: loss of function.

Submissions (2):

Labcorp Genetics (formerly Invitae), Labcorp
Classification: Uncertain significance for Neurofibromatosis, type 1. Last evaluated: 2025-01-21. Review status: criteria provided, single submitter. Criteria: Invitae Variant Classification Sherloc (09022015). Collection method: clinical testing. Allele origin: germline.
Comment: This sequence change replaces alanine, which is neutral and non-polar, with glutamic acid, which is acidic and polar, at codon 1383 of the NF1 protein (p.Ala1383Glu). This variant is not present in population databases (gnomAD no frequency). This variant has not been reported in the literature in individuals affected with NF1-related conditions. Invitae Evidence Modeling of protein sequence and biophysical properties (such as structural, functional, and spatial information, amino acid conservation, physicochemical variation, residue mobility, and thermodynamic stability) indicates that this missense variant is expected to disrupt NF1 protein function with a positive predictive value of 95%. In summary, the available evidence is currently insufficient to determine the role of this variant in disease. Therefore, it has been classified as a Variant of Uncertain Significance.

Dr. Peter K. Rogan Lab, Western University
No classification provided (evidence only). Condition: Ovarian serous cystadenocarcinoma. Review status: no classification provided. Collection method: in vitro. Allele origin: not applicable. Functional consequence: retained intron. Not counted in ClinVar's aggregate classification.